The following is an entry in ClinVar:

NM_001077525.3(MTMR14):c.1708G>C (p.Val570Leu)

Gene: MTMR14 (myotubularin related protein 14; plus strand). Cytogenetic location: 3p25.3.
Variant type: single nucleotide variant.
Coding change: c.1708G>C on transcript NM_001077525.3 (MANE Select); coding-DNA position 1708, G replaced by C.
Protein change: p.Val570Leu; replaces valine 570 with leucine.
Molecular consequence: missense variant. On other transcripts: non-coding transcript variant (8), intron variant (25).
Genome position (GRCh38, 1-based): chr3:9,697,805, G>C. VCF-style: chr3-9697805-G-C. GRCh37 (hg19) VCF-style: chr3-9739489-G-C.
Other names: c.1777G>C, p.Val593Leu (NM_001400518.1); c.1705G>C, p.Val569Leu (NM_001400519.1); c.1633G>C, p.Val545Leu (NM_001400520.1); c.1462G>C, p.Val488Leu (NM_001400524.1); c.1426G>C, p.Val476Leu (NM_001400525.1); c.1066G>C, p.Val356Leu (NM_001400533.1, NM_001400534.1, NM_001400535.1); c.991G>C, p.Val331Leu (NM_001400538.1); c.847G>C, p.Val283Leu (NM_001400544.1); and 19 more; short protein forms V283L, V331L, V356L, V476L, V488L, V545L, V569L, V570L.
Identifiers: ClinVar variation 3353145 (VCV003353145.1).
Genomic context (GRCh38, chr3:9,697,805, plus strand): 5'-TCCACAGACTATGGCAGCTGGCAGATGGTAACGGGCTGTGGCAGTATTCAGGAGCGGGCT[G>C]TCCTGCACACAGACTCCTCTCTCCCTTTCAGCTTCCCGGATGAGCTCCCTAACAGTTGTC-3'
Protein context (NP_001070993.1, residues 560-580): TGCGSIQERA[Val570Leu]LHTDSSLPFS

ClinVar aggregate classification (germline): Uncertain significance (0 of 4 stars; one submission).

Conditions:
MTMR14-related disorder. Also called: MTMR14-related condition.

gnomAD v4.1: 47 of 1,614,218 alleles (0.0029%); highest among the groups gnomAD compares: East Asian, 0.049%; no homozygotes.

Submission:

PreventionGenetics, part of Exact Sciences
Classification: Uncertain significance for MTMR14-related condition. Last evaluated: 2024-09-10. Review status: no assertion criteria provided. Collection method: clinical testing. Allele origin: germline.
Comment: The MTMR14 c.1708G>C variant is predicted to result in the amino acid substitution p.Val570Leu. To our knowledge, this variant has not been reported in the literature. This variant is reported in 0.089% of alleles in individuals of East Asian descent in gnomAD. At this time, the clinical significance of this variant is uncertain due to the absence of conclusive functional and genetic evidence.